The following is an entry in ClinVar:

NM_016123.4(IRAK4):c.760G>T (p.Asp254Tyr)

Gene: IRAK4 (interleukin 1 receptor associated kinase 4; plus strand). Cytogenetic location: 12q12.
Variant type: single nucleotide variant.
Coding change: c.760G>T on transcript NM_016123.4 (MANE Select); coding-DNA position 760, G replaced by T.
Protein change: p.Asp254Tyr; replaces aspartic acid 254 with tyrosine.
Molecular consequence: missense variant.
Genome position (GRCh38, 1-based): chr12:43,777,673, G>T. VCF-style: chr12-43777673-G-T. GRCh37 (hg19) VCF-style: chr12-44171476-G-T.
Other names: c.760G>T, p.Asp254Tyr (NM_001114182.3, NM_001351345.2); c.388G>T, p.Asp130Tyr (NM_001145256.2, NM_001145257.2, NM_001145258.2 and 5 more transcripts); c.151G>T, p.Asp51Tyr (NM_001351343.2, NM_001351344.2); short protein forms D51Y, D130Y, D254Y.
Identifiers: ClinVar variation 2151285 (VCV002151285.4), dbSNP rs762667477, ClinGen allele CA6522476.

ClinVar aggregate classification (germline): Uncertain significance. Review status: criteria provided, multiple submitters, no conflicts (2 of 4 stars). 2 submissions from 2 submitters: Uncertain significance (2). Last evaluated 2024-01-16.

Conditions:
Inborn genetic diseases. Identifiers: MedGen C0950123, MeSH D030342.
Immunodeficiency 67. Also called: Immunodeficiency due to interleukin-1 receptor-associated kinase-4 deficiency. Identifiers: Orphanet 70592, MedGen C1843256, MONDO:0011888, OMIM 607676.

Allele frequency attached by ClinVar (database versions not stated): gnomAD exomes below 0.00001; ExAC 0.00003.
gnomAD v4.1: 2 of 1,610,698 alleles (0.00012%); highest among the groups gnomAD compares: East Asian, 0.0045%; no homozygotes.

Submissions (2):

Ambry Genetics
Classification: Uncertain significance for Inborn genetic diseases. Last evaluated: 2024-01-16. Review status: criteria provided, single submitter. Criteria: Ambry Variant Classification Scheme 2023. Collection method: clinical testing. Allele origin: germline.

Labcorp Genetics (formerly Invitae), Labcorp
Classification: Uncertain significance for Immunodeficiency 67. Last evaluated: 2022-07-01. Review status: criteria provided, single submitter. Criteria: Invitae Variant Classification Sherloc (09022015). Collection method: clinical testing. Allele origin: germline.
Comment: This sequence change replaces aspartic acid, which is acidic and polar, with tyrosine, which is neutral and polar, at codon 254 of the IRAK4 protein (p.Asp254Tyr). This variant is present in population databases (rs762667477, gnomAD 0.02%). This variant has not been reported in the literature in individuals affected with IRAK4-related conditions. Advanced modeling of protein sequence and biophysical properties (such as structural, functional, and spatial information, amino acid conservation, physicochemical variation, residue mobility, and thermodynamic stability) performed at Invitae indicates that this missense variant is expected to disrupt IRAK4 protein function. In summary, the available evidence is currently insufficient to determine the role of this variant in disease. Therefore, it has been classified as a Variant of Uncertain Significance.